The following is an entry in ClinVar:

NM_014244.5(ADAMTS2):c.1175del (p.Cys392fs)

Gene: ADAMTS2 (ADAM metallopeptidase with thrombospondin type 1 motif 2; minus strand). Cytogenetic location: 5q35.3.
Variant type: Deletion.
Coding change: c.1175del on transcript NM_014244.5 (MANE Select); coding-DNA position 1175, one base deleted (G; older notation c.1175delG).
Protein change: p.Cys392fs; shifts the reading frame from cysteine 392.
Molecular consequence: frameshift variant.
Genome position (GRCh38, 1-based): chr5:179,154,877, C deleted on the plus strand (G on the coding strand, the reverse complement: ADAMTS2 is on the minus strand). VCF-style (leftmost placement, unchanged base first): chr5-179154876-GC-G. GRCh37 (hg19) VCF-style: chr5-178581877-GC-G.
Other names: c.1175del, p.Cys392fs (NM_021599.4); short protein forms C392fs.
Identifiers: ClinVar variation 1724166 (VCV001724166.2), dbSNP rs2480245757, ClinGen allele CA2580074103.
Genomic context (GRCh38, chr5:179,154,876, plus strand): 5'-GTGGCCAGTCTCATGGGCCACCACAAACGCTGAGGAGAAGCCGTCCTCATGGTTCAGGGT[GC>G]AGCTGCGGACCGGATGGCACATGCCGGTGACAGGAGCATAGCCTGGGAGGAGACAAGAGG-3'

ClinVar aggregate classification (germline): Likely pathogenic (1 of 4 stars; one submission).

Conditions:
Ehlers-Danlos syndrome, dermatosparaxis type. Also called: EDS VIIC; Dermatosparaxis; Ehlers-Danlos syndrome, type VII, autosomal recessive. Identifiers: Orphanet 1901, MedGen C2700425, MONDO:0009161, OMIM 225410.

Submission:

Myriad Genetics, Inc.
Classification: Likely pathogenic for Ehlers-Danlos syndrome, dermatosparaxis type. Last evaluated: 2022-01-28. Review status: criteria provided, single submitter. Criteria: Myriad Women's Health Autosomal Recessive and X-Linked Classification Criteria (2021). Collection method: clinical testing. Allele origin: unknown.
Comment: NM_014244.4(ADAMTS2):c.1175delG(C392Sfs*3) is expected to be pathogenic in the context of Ehlers-Danlos syndrome type VIIC. This variant is predicted to lead to an abnormal or absent protein product due to the creation of a premature termination codon in ADAMTS2, a gene where loss-of-function variants are known to be pathogenic. Please note: this variant was assessed in the context of healthy population screening.